The following is an entry in ClinVar:

NM_002474.3(MYH11):c.634-2A>C

Gene: MYH11 (myosin heavy chain 11; minus strand). Cytogenetic location: 16p13.11.
Variant type: single nucleotide variant.
Coding change: c.634-2A>C on transcript NM_002474.3 (MANE Select); the canonical splice acceptor site of the intron before coding-DNA position 634, A replaced by C.
Molecular consequence: splice acceptor variant.
Genome position (GRCh38, 1-based): chr16:15,782,479, T>G on the plus strand (A>C on the coding strand, the complement: MYH11 is on the minus strand). VCF-style: chr16-15782479-T-G. GRCh37 (hg19) VCF-style: chr16-15876336-T-G.
Other names: c.634-2A>C (NM_022844.3); c.655-2A>C (NM_001040114.2, NM_001040113.2).
Identifiers: ClinVar variation 2115967 (VCV002115967.4), dbSNP rs113930991, ClinGen allele CA278598313.

ClinVar aggregate classification (germline): Likely pathogenic (1 of 4 stars; one submission).

Conditions:
Aortic aneurysm, familial thoracic 4 (AAT4). Also called: AORTIC ANEURYSM/AORTIC DISSECTION AND PATENT DUCTUS ARTERIOSUS. Identifiers: MedGen C1851504, MONDO:0007568, OMIM 132900.

Submission:

Labcorp Genetics (formerly Invitae), Labcorp
Classification: Likely pathogenic for Aortic aneurysm, familial thoracic 4. Last evaluated: 2022-03-23. Review status: criteria provided, single submitter. Criteria: Invitae Variant Classification Sherloc (09022015). Collection method: clinical testing. Allele origin: germline.
Comment: In summary, the currently available evidence indicates that the variant is pathogenic, but additional data are needed to prove that conclusively. Therefore, this variant has been classified as Likely Pathogenic. Algorithms developed to predict the effect of sequence changes on RNA splicing suggest that this variant may disrupt the consensus splice site. This variant has not been reported in the literature in individuals affected with MYH11-related conditions. This variant is not present in population databases (gnomAD no frequency). This sequence change affects an acceptor splice site in intron 6 of the MYH11 gene. It is expected to disrupt RNA splicing. Variants that disrupt the donor or acceptor splice site typically lead to a loss of protein function (PMID: 16199547), and loss-of-function variants in MYH11 are known to be pathogenic (PMID: 25407000, 29575632).

Literature cited by the submitters: PubMed 16199547; PubMed 25407000; PubMed 29575632.